The following is an entry in ClinVar:

NM_002474.3(MYH11):c.136G>A (p.Glu46Lys)

Gene: MYH11 (myosin heavy chain 11; minus strand). Cytogenetic location: 16p13.11.
Variant type: single nucleotide variant.
Coding change: c.136G>A on transcript NM_002474.3 (MANE Select); coding-DNA position 136, G replaced by A.
Protein change: p.Glu46Lys; replaces glutamic acid 46 with lysine.
Molecular consequence: missense variant.
Genome position (GRCh38, 1-based): chr16:15,838,117, C>T on the plus strand (G>A on the coding strand, the complement: MYH11 is on the minus strand). VCF-style: chr16-15838117-C-T. GRCh37 (hg19) VCF-style: chr16-15931974-C-T.
Other names: c.136G>A (NM_002474.2); c.136G>A, p.Glu46Lys (NM_001040113.2, NM_001040114.2, NM_022844.3); short protein forms E46K.
Identifiers: ClinVar variation 2902202 (VCV002902202.6), dbSNP rs866047937, ClinGen allele CA278998949.

ClinVar aggregate classification (germline): Uncertain significance. Review status: criteria provided, multiple submitters, no conflicts (2 of 4 stars). 4 submissions from 4 submitters: Uncertain significance (4). Last evaluated 2025-11-24.

Conditions:
Familial thoracic aortic aneurysm and aortic dissection (TAAD). Also called: Thoracic aortic aneurysms and dissections. Identifiers: Orphanet 91387, MedGen C4707243, MONDO:0019625.
Aortic aneurysm, familial thoracic 4 (AAT4). Also called: AORTIC ANEURYSM/AORTIC DISSECTION AND PATENT DUCTUS ARTERIOSUS. Identifiers: MedGen C1851504, MONDO:0007568, OMIM 132900.

gnomAD v4.1: 5 of 1,614,070 alleles (0.00031%); highest among the groups gnomAD compares: South Asian, 0.0022%; no homozygotes.

Submissions (4):

Ambry Genetics
Classification: Uncertain significance for Familial thoracic aortic aneurysm and aortic dissection. Last evaluated: 2025-11-24. Review status: criteria provided, single submitter. Criteria: Ambry Variant Classification Scheme 2023. Collection method: clinical testing. Allele origin: germline.
Comment: The p.E46K variant (also known as c.136G>A), located in coding exon 1 of the MYH11 gene, results from a G to A substitution at nucleotide position 136. The glutamic acid at codon 46 is replaced by lysine, an amino acid with similar properties. This amino acid position is conserved. In addition, the in silico prediction for this alteration is inconclusive. Based on the available evidence, the clinical significance of this variant remains unclear.

Blueprint Genetics
Classification: Uncertain significance. Last evaluated: 2024-02-02. Review status: criteria provided, single submitter. Criteria: ACMG Guidelines, 2015. Collection method: clinical testing. Allele origin: germline.

All of Us Research Program, National Institutes of Health
Classification: Uncertain significance for Familial thoracic aortic aneurysm and aortic dissection. Last evaluated: 2023-12-13. Review status: criteria provided, single submitter. Criteria: ACMG Guidelines, 2015. Collection method: clinical testing. Allele origin: germline. Inheritance: Autosomal dominant inheritance. Observed: 1 variant allele, 1 heterozygote.
Comment: This missense variant replaces glutamic acid with lysine at codon 46 of the MYH11 protein. Computational prediction suggests that this variant may have deleterious impact on protein structure and function (internally defined REVEL score threshold >= 0.7, PMID: 27666373). To our knowledge, functional studies have not been reported for this variant. This variant has not been reported in individuals affected with MYH11-related disorders in the literature. This variant has been identified in 1/251072 chromosomes in the general population by the Genome Aggregation Database (gnomAD). The available evidence is insufficient to determine the role of this variant in disease conclusively. Therefore, this variant is classified as a Variant of Uncertain Significance.

This study involves interpretation of variants in research participants for the purpose of population health screening. Participant phenotype was not available at the time of variant classification. Additional details can be found in publication PMID: 35346344, PMCID: PMC8962531

Labcorp Genetics (formerly Invitae), Labcorp
Classification: Uncertain significance for Aortic aneurysm, familial thoracic 4. Last evaluated: 2022-11-02. Review status: criteria provided, single submitter. Criteria: Invitae Variant Classification Sherloc (09022015). Collection method: clinical testing. Allele origin: germline.
Comment: In summary, the available evidence is currently insufficient to determine the role of this variant in disease. Therefore, it has been classified as a Variant of Uncertain Significance. Advanced modeling of protein sequence and biophysical properties (such as structural, functional, and spatial information, amino acid conservation, physicochemical variation, residue mobility, and thermodynamic stability) performed at Invitae indicates that this missense variant is not expected to disrupt MYH11 protein function. This variant has not been reported in the literature in individuals affected with MYH11-related conditions. This variant is present in population databases (no rsID available, gnomAD 0.0009%). This sequence change replaces glutamic acid, which is acidic and polar, with lysine, which is basic and polar, at codon 46 of the MYH11 protein (p.Glu46Lys).